The following is an entry in ClinVar:

ClinVar aggregate classification (germline): Conflicting classifications of pathogenicity. Review status: criteria provided, conflicting classifications (1 of 4 stars). 7 submissions from 7 submitters: Uncertain significance (2); Likely benign (5). Last evaluated 2025-12-03.

Conditions:
Developmental and epileptic encephalopathy, 1 (DEE1). Also called: Epileptic encephalopathy, early infantile, 1; X-linked infantile spasms; West's syndrome; Tonic spasms with clustering, arrest of psychomotor development and hypsarrhythmia on EEG; X-Linked Infantile Spasm Syndrome; OHTAHARA SYNDROME, X-LINKED. Identifiers: MedGen C3463992, MONDO:0010632, OMIM 308350. Disease mechanism: loss of function.
Autosomal dominant nonsyndromic hearing loss 65. Also called: Deafness, autosomal dominant 65; TBC1D24-Related Autosomal Dominant Nonsyndromic Hearing Loss (DFNA). Identifiers: Orphanet 90635, MedGen C3892048, MONDO:0014470, OMIM 616044.
Inborn genetic diseases. Identifiers: MedGen C0950123, MeSH D030342.
Familial infantile myoclonic epilepsy (FIME). Also called: TBC1D24-Related Familial Infantile Myoclonic Epilepsy (FIME); Epilepsy, Myoclonic, Infantile. Identifiers: Orphanet 352582, MedGen C0917800, MONDO:0011506, OMIM 605021.

Allele frequency attached by ClinVar (database versions not stated): gnomAD 0.00005; gnomAD exomes 0.00005; ExAC 0.00009; TOPMed 0.00011.
gnomAD v4.1: 100 of 1,606,800 alleles (0.0062%); highest among the groups gnomAD compares: Middle Eastern, 0.1%; no homozygotes.

Submissions (7):

Labcorp Genetics (formerly Invitae), Labcorp
Classification: Likely benign for Developmental and epileptic encephalopathy, 1; Autosomal dominant nonsyndromic hearing loss 65. Last evaluated: 2025-12-03. Review status: criteria provided, single submitter. Criteria: Invitae Variant Classification Sherloc (09022015). Collection method: clinical testing. Allele origin: germline.

Blueprint Genetics
Classification: Likely benign. Last evaluated: 2024-02-26. Review status: criteria provided, single submitter. Criteria: ACMG Guidelines, 2015. Collection method: clinical testing. Allele origin: germline.

GeneDx
Classification: Likely benign. Last evaluated: 2020-06-09. Review status: criteria provided, single submitter. Criteria: GeneDx Variant Classification Process June 2021. Collection method: clinical testing. Allele origin: germline. Affected: yes.

Ambry Genetics
Classification: Likely benign for Inborn genetic diseases. Last evaluated: 2018-02-01. Review status: criteria provided, single submitter. Criteria: Ambry Variant Classification Scheme 2023. Collection method: clinical testing. Allele origin: germline.

Illumina Laboratory Services, Illumina
Classification: Uncertain significance for Familial infantile myoclonic epilepsy. Last evaluated: 2018-01-12. Review status: criteria provided, single submitter. Criteria: ICSL Variant Classification Criteria 13 December 2019. Collection method: clinical testing. Allele origin: germline.

Laboratory for Molecular Medicine, Mass General Brigham Personalized Medicine
Classification: Likely benign. Last evaluated: 2015-05-17. Review status: criteria provided, single submitter. Criteria: LMM Criteria. Collection method: clinical testing. Allele origin: germline. Observed: 1 variant allele.
Comment: p.His375His in exon 4 of TBC1D24: This variant is not expected to have clinical significance because it does not alter an amino acid residue and is not located within the splice consensus sequence. It has been identified in 7/73971 chromoso mes across multiple populations by the Exome Aggregation Consortium (ExAC).

Eurofins Ntd Llc (ga)
Classification: Uncertain significance. Last evaluated: 2015-01-20. Review status: criteria provided, single submitter. Criteria: EGL Classification Definitions 2015. Collection method: clinical testing. Allele origin: germline. Observed: 1 variant allele, 1 heterozygote.

NM_001199107.2(TBC1D24):c.1125C>T (p.His375=)

Gene: TBC1D24 (TBC1 domain family member 24; plus strand). Cytogenetic location: 16p13.3.
Variant type: single nucleotide variant.
Coding change: c.1125C>T on transcript NM_001199107.2 (MANE Select); coding-DNA position 1125, C replaced by T.
Protein change: p.His375=; no amino-acid change (histidine 375 retained).
Molecular consequence: synonymous variant.
Genome position (GRCh38, 1-based): chr16:2,498,379, C>T. VCF-style: chr16-2498379-C-T. GRCh37 (hg19) VCF-style: chr16-2548380-C-T.
Other names: c.1107C>T, p.His369= (NM_020705.3).
Identifiers: ClinVar variation 197189 (VCV000197189.29), dbSNP rs749163517, ClinGen allele CA245183.
Genomic context (GRCh38, chr16:2,498,379, plus strand): 5'-CTGGGTCCCCGAGCGCTTTGCCCTGTGCCAGCCCCTTCTGCTGTTCTCCTCCCTGCAGCA[C>T]GGGTACAGCCTGGCCAGGTAACACCCCAAGGGGCCAGAGCGGGCGGCAGAGCCGCCCAGC-3'
Protein context (NP_001186036.1, residues 365-385): QPLLLFSSLQ[His375=]GYSLARFYFQ